The following is an entry in ClinVar:

NM_000785.4(CYP27B1):c.1108C>A (p.Leu370Met)

Gene: CYP27B1 (cytochrome P450 family 27 subfamily B member 1; minus strand). Cytogenetic location: 12q14.1.
Variant type: single nucleotide variant.
Coding change: c.1108C>A on transcript NM_000785.4 (MANE Select); coding-DNA position 1108, C replaced by A.
Protein change: p.Leu370Met; replaces leucine 370 with methionine.
Molecular consequence: missense variant.
Genome position (GRCh38, 1-based): chr12:57,764,406, G>T on the plus strand (C>A on the coding strand, the complement: CYP27B1 is on the minus strand). VCF-style: chr12-57764406-G-T. GRCh37 (hg19) VCF-style: chr12-58158189-G-T.
Other names: c.1108C>A (NM_000785.3); short protein forms L370M.
Identifiers: ClinVar variation 2020701 (VCV002020701.2), dbSNP rs753298199, ClinGen allele CA237814156.

ClinVar aggregate classification (germline): Uncertain significance. Review status: criteria provided, multiple submitters, no conflicts (2 of 4 stars). 2 submissions from 2 submitters: Uncertain significance (2). Last evaluated 2024-01-31.

Conditions:
Inborn genetic diseases. Identifiers: MedGen C0950123, MeSH D030342.

Allele frequency attached by ClinVar (database versions not stated): gnomAD 0.00001.
gnomAD v4.1: 27 of 1,614,050 alleles (0.0017%); highest among the groups gnomAD compares: Non-Finnish European, 0.0023%; no homozygotes.

Submissions (2):

Ambry Genetics
Classification: Uncertain significance for Inborn genetic diseases. Last evaluated: 2024-01-31. Review status: criteria provided, single submitter. Criteria: Ambry Variant Classification Scheme 2023. Collection method: clinical testing. Allele origin: germline.

Labcorp Genetics (formerly Invitae), Labcorp
Classification: Uncertain significance. Last evaluated: 2022-01-21. Review status: criteria provided, single submitter. Criteria: Invitae Variant Classification Sherloc (09022015). Collection method: clinical testing. Allele origin: germline.
Comment: This sequence change replaces leucine, which is neutral and non-polar, with methionine, which is neutral and non-polar, at codon 370 of the CYP27B1 protein (p.Leu370Met). This variant is not present in population databases (gnomAD no frequency). This variant has not been reported in the literature in individuals affected with CYP27B1-related conditions. Algorithms developed to predict the effect of missense changes on protein structure and function output the following: SIFT: "Deleterious"; PolyPhen-2: "Possibly Damaging"; Align-GVGD: "Class C0". The methionine amino acid residue is found in multiple mammalian species, which suggests that this missense change does not adversely affect protein function. In summary, the available evidence is currently insufficient to determine the role of this variant in disease. Therefore, it has been classified as a Variant of Uncertain Significance.